The following is an entry in ClinVar:

NM_006254.4(PRKCD):c.1185G>A (p.Met395Ile)

Gene: PRKCD (protein kinase C delta; plus strand). Cytogenetic location: 3p21.1.
Variant type: single nucleotide variant.
Coding change: c.1185G>A on transcript NM_006254.4 (MANE Select); coding-DNA position 1185, G replaced by A.
Protein change: p.Met395Ile; replaces methionine 395 with isoleucine.
Molecular consequence: missense variant.
Genome position (GRCh38, 1-based): chr3:53,186,265, G>A. VCF-style: chr3-53186265-G-A. GRCh37 (hg19) VCF-style: chr3-53220281-G-A.
Other names: c.1185G>A, p.Met395Ile (NM_001316327.2, NM_001354679.2, NM_001354680.2 and 1 more transcripts); c.1242G>A, p.Met414Ile (NM_001354676.2); c.1233G>A, p.Met411Ile (NM_001354678.2); short protein forms M395I, M411I, M414I.
Identifiers: ClinVar variation 4800647 (VCV004800647.1).

ClinVar aggregate classification (germline): Uncertain significance (1 of 4 stars; one submission).

Conditions:
Autoimmune lymphoproliferative syndrome, type III caused by mutation in PRKCD. Identifiers: Orphanet 3261, Orphanet 664711, MedGen C3809928, MONDO:8000024, OMIM 615559.

Submission:

Labcorp Genetics (formerly Invitae), Labcorp
Classification: Uncertain significance for Autoimmune lymphoproliferative syndrome, type III caused by mutation in PRKCD. Last evaluated: 2025-10-13. Review status: criteria provided, single submitter. Criteria: Invitae Variant Classification Sherloc (09022015). Collection method: clinical testing. Allele origin: germline.
Comment: This sequence change replaces methionine, which is neutral and non-polar, with isoleucine, which is neutral and non-polar, at codon 395 of the PRKCD protein (p.Met395Ile). This variant is not present in population databases (gnomAD no frequency). This variant has not been reported in the literature in individuals affected with PRKCD-related conditions. An algorithm developed to predict the effect of missense changes on protein structure and function (PolyPhen-2) suggests that this variant is likely to be tolerated. In summary, the available evidence is currently insufficient to determine the role of this variant in disease. Therefore, it has been classified as a Variant of Uncertain Significance.